The following is an entry in ClinVar:

ClinVar aggregate classification (germline): Benign. Review status: criteria provided, multiple submitters, no conflicts (2 of 4 stars). 9 submissions from 8 submitters: Benign (8). 1 of the submissions does not count toward it. Last evaluated 2026-02-04.

Conditions:
Nemaline myopathy 2 (NEM2). Also called: Nemaline myopathy 2, autosomal recessive. Identifiers: MedGen C1850569, MONDO:0009725, OMIM 256030.
Arthrogryposis multiplex congenita 6. Identifiers: MedGen C5543431, MONDO:0030281, OMIM 619334.

Allele frequency attached by ClinVar (database versions not stated): 1000 Genomes Project 0.71605; 1000 Genomes Project 30x 0.71908; TOPMed 0.80148; gnomAD 0.80679 and 0.81103; ESP Exome Variant Server 0.81778; ExAC 0.82649; gnomAD exomes 0.83350 and 0.86819.
gnomAD v4.1: 1,389,355 of 1,612,734 alleles (86%); highest among the groups gnomAD compares: Admixed American, 90%; 604,938 homozygotes.

Submissions (9):

Labcorp Genetics (formerly Invitae), Labcorp
Classification: Benign for Nemaline myopathy 2. Last evaluated: 2026-02-04. Review status: criteria provided, single submitter. Criteria: Invitae Variant Classification Sherloc (09022015). Collection method: clinical testing. Allele origin: germline.

Blueprint Genetics
Classification: Benign. Last evaluated: 2024-11-26. Review status: criteria provided, single submitter. Criteria: ACMG Guidelines, 2015. Collection method: clinical testing. Allele origin: germline.

Genome-Nilou Lab
Classification: Benign for Arthrogryposis multiplex congenita 6. Last evaluated: 2021-07-10. Review status: criteria provided, single submitter. Criteria: ACMG Guidelines, 2015. Collection method: clinical testing. Allele origin: germline. Affected: no.

Genome-Nilou Lab
Classification: Benign for Nemaline myopathy 2. Last evaluated: 2021-07-10. Review status: criteria provided, single submitter. Criteria: ACMG Guidelines, 2015. Collection method: clinical testing. Allele origin: germline. Affected: no.

Mayo Clinic Laboratories, Mayo Clinic
Classification: Benign. Last evaluated: 2017-07-20. Review status: criteria provided, single submitter. Criteria: ACMG Guidelines, 2015. Collection method: clinical testing. Allele origin: germline. Observed: 639 variant alleles.

Laboratory for Molecular Medicine, Mass General Brigham Personalized Medicine
Classification: Benign. Last evaluated: 2014-11-26. Review status: criteria provided, single submitter. Criteria: LMM Criteria. Collection method: clinical testing. Allele origin: germline. Observed: 13 variant alleles.
Comment: This is a RefSeq error. The reference base (c.3901T) is the minor allele. This a llele (T) has been identified in 11% (894/8306) of European American chromosomes and 34% (1336/3932) of African American chromosomes by the NHLBI Exome Sequenci ng Project (dbSNP rs6711382) and thus meets c riteria to be classified as benign.

Eurofins Ntd Llc (ga)
Classification: Benign. Last evaluated: 2013-04-05. Review status: criteria provided, single submitter. Criteria: EGL Classification Definitions 2015. Collection method: clinical testing. Allele origin: germline. Observed: 4 variant alleles, 4 homozygotes.

Breakthrough Genomics
Classification: Benign. Review status: criteria provided, single submitter. Criteria: ACMG Guidelines, 2015. Collection method: not provided. Allele origin: germline. Inheritance: Autosomal recessive inheritance. Affected: yes.

Natera, Inc.
Classification: Benign for Nemaline myopathy type 2. Last evaluated: 2020-09-16. Review status: no assertion criteria provided. Collection method: clinical testing. Allele origin: germline. Not counted in ClinVar's aggregate classification.

NM_001164508.2(NEB):c.3901T>C (p.Tyr1301His)

Gene: NEB (nebulin; minus strand). Cytogenetic location: 2q23.3.
Variant type: single nucleotide variant.
Coding change: c.3901T>C on transcript NM_001164508.2 (MANE Select); coding-DNA position 3901, T replaced by C.
Protein change: p.Tyr1301His; replaces tyrosine 1301 with histidine.
Molecular consequence: missense variant.
Genome position (GRCh38, 1-based): chr2:151,674,563, A>G on the plus strand (T>C on the coding strand, the complement: NEB is on the minus strand). VCF-style: chr2-151674563-A-G. GRCh37 (hg19) VCF-style: chr2-152531077-A-G.
Other names: c.3901T>C, p.Tyr1301His (NM_001164507.2, NM_001271208.2, NM_004543.5); short protein forms Y1301H.
Identifiers: ClinVar variation 167336 (VCV000167336.23), dbSNP rs6711382, ClinGen allele CA180211.
Genomic context (GRCh38, chr2:151,674,563, plus strand): 5'-TGGCTGCAGTGATGGGAATAGCATCGCCCAGCACATTGTTGCCCTTGGCTATTAAGTCAT[A>G]CCAATCCCGTTTATAACAGACCTGGACAGAAAAGCAAACAGAATGTCAGCATCTGTAAGT-3'
Protein context (NP_001157980.2, residues 1291-1311): ISDVCYKRDW[Tyr1301His]DLIAKGNNVL